The following is an entry in ClinVar:

NM_004006.3(DMD):c.5504A>T (p.Gln1835Leu)

Gene: DMD (dystrophin; minus strand). Cytogenetic location: Xp21.1.
Variant type: single nucleotide variant.
Coding change: c.5504A>T on transcript NM_004006.3 (MANE Select); coding-DNA position 5504, A replaced by T.
Protein change: p.Gln1835Leu; replaces glutamine 1835 with leucine.
Molecular consequence: missense variant.
Genome position (GRCh38, 1-based): chrX:32,346,025, T>A on the plus strand (A>T on the coding strand, the complement: DMD is on the minus strand). VCF-style: chrX-32346025-T-A. GRCh37 (hg19) VCF-style: chrX-32364142-T-A.
Other names: c.5480A>T, p.Gln1827Leu (NM_000109.4); c.5492A>T, p.Gln1831Leu (NM_004009.3); c.5135A>T, p.Gln1712Leu (NM_004010.3); c.1481A>T, p.Gln494Leu (NM_004011.4); c.1472A>T, p.Gln491Leu (NM_004012.4); short protein forms Q1827L, Q1831L, Q1712L, Q491L, Q494L, Q1835L.
Identifiers: ClinVar variation 4743701 (VCV004743701.1).

ClinVar aggregate classification (germline): Uncertain significance (1 of 4 stars; one submission).

Conditions:
Duchenne muscular dystrophy (DMD). Also called: MUSCULAR DYSTROPHY, PSEUDOHYPERTROPHIC PROGRESSIVE, DUCHENNE TYPE; Duchenne Muscular Dystrophy (DMD). Identifiers: Orphanet 98896, MedGen C0013264, MONDO:0010679, OMIM 310200.

gnomAD v4.1: 2 of 1,208,133 alleles (0.00017%); highest among the groups gnomAD compares: East Asian, 0.0059%; no homozygotes.

Submission:

Labcorp Genetics (formerly Invitae), Labcorp
Classification: Uncertain significance for Duchenne muscular dystrophy. Last evaluated: 2025-11-24. Review status: criteria provided, single submitter. Criteria: Invitae Variant Classification Sherloc (09022015). Collection method: clinical testing. Allele origin: germline.
Comment: This sequence change replaces glutamine, which is neutral and polar, with leucine, which is neutral and non-polar, at codon 1835 of the DMD protein (p.Gln1835Leu). This variant is present in population databases (rs747245739, gnomAD 0.008%). This variant has not been reported in the literature in individuals affected with DMD-related conditions. Invitae Evidence Modeling of protein sequence and biophysical properties (such as structural, functional, and spatial information, amino acid conservation, physicochemical variation, residue mobility, and thermodynamic stability) indicates that this missense variant is not expected to disrupt DMD protein function with a negative predictive value of 95%. In summary, the available evidence is currently insufficient to determine the role of this variant in disease. Therefore, it has been classified as a Variant of Uncertain Significance.